The following is an entry in ClinVar:

GRCh38/hg38 Xq27.3(chrX:144251509-144887684)x2

Gene: LOC126863337 (P300/CBP strongly-dependent group 1 enhancer GRCh37_chrX:143882879-143884078; plus strand). Cytogenetic location: Xq27.3.
Variant type: copy number gain.
Change: copy number 2 of chrX:144,251,509-144,887,684 (636.2 kb, GRCh38 coordinates, 1-based), cytogenetic band Xq27.3.
Identifiers: ClinVar variation 57004 (VCV000057004.1).

ClinVar aggregate classification (germline): Uncertain significance (1 of 4 stars; one submission).

Submission:

ISCA site 4
Classification: Uncertain significance. Last evaluated: 2011-08-12. Review status: criteria provided, single submitter. Criteria: Kaminsky et al. (Genet Med. 2011). Collection method: clinical testing. Allele origin: unknown. Affected: yes. Observed: 1 variant allele.
Comment: Copy number variation identified through the course of routine clinical cytogenomic testing in postnatal populations. Clinical assertions have been curated as described in Kaminsky et al. 2011.